The following is an entry in ClinVar:

ClinVar aggregate classification (germline): Likely benign (0 of 4 stars; one submission).

Conditions:
ZC3H4-related disorder. Also called: ZC3H4-related condition.

Submission:

PreventionGenetics, part of Exact Sciences
Classification: Likely benign for ZC3H4-related condition. Last evaluated: 2022-04-06. Review status: no assertion criteria provided. Collection method: clinical testing. Allele origin: germline.
Comment: This variant is classified as likely benign based on ACMG/AMP sequence variant interpretation guidelines (Richards et al. 2015 PMID: 25741868, with internal and published modifications).

NM_015168.2(ZC3H4):c.1902_1925del (p.630PDMH[2])

Gene: ZC3H4 (zinc finger CCCH-type containing 4; minus strand). Cytogenetic location: 19q13.32.
Variant type: Deletion.
Coding change: c.1902_1925del on transcript NM_015168.2 (MANE Select); coding-DNA positions 1902 to 1925, 24 bases deleted (CGACATGCACCCGGACATGCACCC).
Protein change: p.630PDMH[2].
Genome position (GRCh38, 1-based): chr19:47,071,999-47,072,022, GGGTGCATGTCCGGGTGCATGTCG deleted on the plus strand (CGACATGCACCCGGACATGCACCC on the coding strand, the reverse complement: ZC3H4 is on the minus strand); deleting any 24 consecutive bases within chr19:47,071,999-47,072,033 gives the same sequence; the c. name uses the placement nearest the transcript's 3' end. VCF-style (leftmost placement, unchanged base first): chr19-47071998-AGGGTGCATGTCCGGGTGCATGTCG-A. GRCh37 (hg19) VCF-style: chr19-47575255-AGGGTGCATGTCCGGGTGCATGTCG-A.
Identifiers: ClinVar variation 3047997 (VCV003047997.2), dbSNP rs767836982, ClinGen allele CA9535056.